The following is an entry in ClinVar:

NM_001377.3(DYNC2H1):c.5780C>T (p.Pro1927Leu)

Gene: DYNC2H1 (dynein cytoplasmic 2 heavy chain 1; plus strand). Cytogenetic location: 11q22.3.
Variant type: single nucleotide variant.
Coding change: c.5780C>T on transcript NM_001377.3 (MANE Select); coding-DNA position 5780, C replaced by T.
Protein change: p.Pro1927Leu; replaces proline 1927 with leucine.
Molecular consequence: missense variant.
Genome position (GRCh38, 1-based): chr11:103,176,340, C>T. VCF-style: chr11-103176340-C-T. GRCh37 (hg19) VCF-style: chr11-103047069-C-T.
Other names: c.5780C>T, p.Pro1927Leu (NM_001080463.2); c.5780C>T (NM_001080463.1); short protein forms P1927L.
Identifiers: ClinVar variation 1479424 (VCV001479424.5), dbSNP rs367585820, ClinGen allele CA6253831.

ClinVar aggregate classification (germline): Uncertain significance. Review status: criteria provided, multiple submitters, no conflicts (2 of 4 stars). 3 submissions from 3 submitters: Uncertain significance (3). Last evaluated 2024-11-27.

Conditions:
Jeune thoracic dystrophy. Also called: Short-rib thoracic dysplasia; Jeune syndrome; Infantile thoracic dystrophy; Thoracic pelvic phalangeal dystrophy; Jeune's syndrome; Chondroectodermal dysplasia-like syndrome. Identifiers: Orphanet 474, MedGen C0265275, MONDO:0018770.
Inborn genetic diseases. Identifiers: MedGen C0950123, MeSH D030342.

Allele frequency attached by ClinVar (database versions not stated): ESP Exome Variant Server 0.00008; gnomAD exomes 0.00009; TOPMed 0.00010; ExAC 0.00016.
gnomAD v4.1: 143 of 1,582,444 alleles (0.009%); highest among the groups gnomAD compares: Non-Finnish European, 0.011%; no homozygotes.

Submissions (3):

Blueprint Genetics
Classification: Uncertain significance. Last evaluated: 2024-11-27. Review status: criteria provided, single submitter. Criteria: ACMG Guidelines, 2015. Collection method: clinical testing. Allele origin: germline.

Ambry Genetics
Classification: Uncertain significance for Inborn genetic diseases. Last evaluated: 2024-03-19. Review status: criteria provided, single submitter. Criteria: Ambry Variant Classification Scheme 2023. Collection method: clinical testing. Allele origin: germline.

Labcorp Genetics (formerly Invitae), Labcorp
Classification: Uncertain significance for Jeune thoracic dystrophy. Last evaluated: 2022-04-09. Review status: criteria provided, single submitter. Criteria: Invitae Variant Classification Sherloc (09022015). Collection method: clinical testing. Allele origin: germline.
Comment: This sequence change replaces proline, which is neutral and non-polar, with leucine, which is neutral and non-polar, at codon 1927 of the DYNC2H1 protein (p.Pro1927Leu). This variant is present in population databases (rs367585820, gnomAD 0.02%). This variant has not been reported in the literature in individuals affected with DYNC2H1-related conditions. Advanced modeling of protein sequence and biophysical properties (such as structural, functional, and spatial information, amino acid conservation, physicochemical variation, residue mobility, and thermodynamic stability) performed at Invitae indicates that this missense variant is not expected to disrupt DYNC2H1 protein function. In summary, the available evidence is currently insufficient to determine the role of this variant in disease. Therefore, it has been classified as a Variant of Uncertain Significance.